The following is an entry in ClinVar:

NM_020778.5(ALPK3):c.4130T>C (p.Val1377Ala)

Gene: ALPK3 (alpha kinase 3; plus strand). Cytogenetic location: 15q25.3.
Variant type: single nucleotide variant.
Coding change: c.4130T>C on transcript NM_020778.5 (MANE Select); coding-DNA position 4130, T replaced by C.
Protein change: p.Val1377Ala; replaces valine 1377 with alanine.
Molecular consequence: missense variant.
Genome position (GRCh38, 1-based): chr15:84,862,635, T>C. VCF-style: chr15-84862635-T-C. GRCh37 (hg19) VCF-style: chr15-85405866-T-C.
Other names: short protein forms V1377A.
Identifiers: ClinVar variation 2853244 (VCV002853244.3), dbSNP rs2505727240, ClinGen allele CA393362562.

ClinVar aggregate classification (germline): Uncertain significance (1 of 4 stars; one submission).

gnomAD v4.1: 1 of 1,603,158 alleles (0.000062%); no homozygotes.

Submission:

Labcorp Genetics (formerly Invitae), Labcorp
Classification: Uncertain significance. Last evaluated: 2023-04-07. Review status: criteria provided, single submitter. Criteria: Invitae Variant Classification Sherloc (09022015). Collection method: clinical testing. Allele origin: germline.
Comment: In summary, the available evidence is currently insufficient to determine the role of this variant in disease. Therefore, it has been classified as a Variant of Uncertain Significance. An algorithm developed to predict the effect of missense changes on protein structure and function (PolyPhen-2) suggests that this variant is likely to be disruptive. This variant has not been reported in the literature in individuals affected with ALPK3-related conditions. This variant is not present in population databases (gnomAD no frequency). This sequence change replaces valine, which is neutral and non-polar, with alanine, which is neutral and non-polar, at codon 1579 of the ALPK3 protein (p.Val1579Ala).